The following is an entry in ClinVar:

NM_006949.4(STXBP2):c.1586G>C (p.Arg529Pro)

Gene: STXBP2 (syntaxin binding protein 2; plus strand). Cytogenetic location: 19p13.2.
Variant type: single nucleotide variant.
Coding change: c.1586G>C on transcript NM_006949.4 (MANE Select); coding-DNA position 1586, G replaced by C.
Protein change: p.Arg529Pro; replaces arginine 529 with proline.
Molecular consequence: missense variant. On other transcripts: non-coding transcript variant (1).
Genome position (GRCh38, 1-based): chr19:7,647,401, G>C. VCF-style: chr19-7647401-G-C. GRCh37 (hg19) VCF-style: chr19-7712287-G-C.
Other names: p.Arg529Pro; c.1577G>C, p.Arg526Pro (NM_001127396.3); c.1619G>C, p.Arg540Pro (NM_001272034.2); short protein forms R529P, R526P, R540P.
Identifiers: ClinVar variation 330559 (VCV000330559.48), dbSNP rs35490401, ClinGen allele CA9144266.
Genomic context (GRCh38, chr19:7,647,401, plus strand): 5'-CTGCCCTGCACAGTGCCCGCTTCGGTCACTGGCACAAGAACAAGGCTGGCATAGAAGCCC[G>C]GGCGGGCCCCCGGCTCATCGTGTATGTCATGGGCGGTGTGGCCATGTCAGAGATGAGGGC-3'
Protein context (NP_008880.2, residues 519-539): WHKNKAGIEA[Arg529Pro]AGPRLIVYVM

ClinVar aggregate classification (germline): Conflicting classifications of pathogenicity; association. Review status: criteria provided, conflicting classifications (1 of 4 stars). 11 submissions from 11 submitters: Uncertain significance (7); Likely benign (2). 1 of the submissions does not count toward it. Last evaluated 2026-03-04.

Conditions:
Thrombocytopenia. Identifiers: MedGen C0040034, MeSH D013921, MONDO:0002049, HP:0001873.
Abnormal bleeding. Also called: Bleeding diathesis. Identifiers: MedGen C1458140, HP:0001892.
Autoinflammatory syndrome. Identifiers: Orphanet 93665, MedGen C3890737, MONDO:0019751.
Familial hemophagocytic lymphohistiocytosis 5. Also called: STXBP2-Related Familial Hemophagocytic Lymphohistiocytosis (STXBP2-fHLH). Identifiers: Orphanet 540, MedGen C2751293, MONDO:0013135, OMIM 613101.
STXBP2-related disorder. Also called: STXBP2-related condition.

Allele frequency attached by ClinVar (database versions not stated): 1000 Genomes Project 30x 0.00031; TOPMed 0.00149; ESP Exome Variant Server 0.00169.

Submissions (11):

PreventionGenetics, part of Exact Sciences
Classification: Uncertain significance for STXBP2-related condition. Last evaluated: 2026-03-04. Review status: criteria provided, single submitter. Criteria: ACMG Guidelines, 2015. Collection method: clinical testing. Allele origin: germline.
Comment: The STXBP2 c.1586G>C variant is predicted to result in the amino acid substitution p.Arg529Pro. This variant was reported, along with a variant in the PRF1 gene, in the heterozygous state in an individual with hemophagocytic lymphohistiocytosis (P19, Zhang et al. 2014. PubMed ID: 24916509). This variant was also observed in the heterozygous state in an individual with an inherited bleeding disorder (Table 2 and Supplementary Table 3, Almazni et al. 2020. PubMed ID: 32935436). This variant was also reported in four cases in a study of germline genetic risk variants in progressive multifocal leukoencephalopathy (PML, Tables 2 and 3 and Supplementary Table 4, Eis et al. 2020. PubMed ID: 32256442). This variant is reported in 0.24% of alleles in individuals of European (Non-Finnish) descent in gnomAD. While this variant may be benign, at this time, the clinical significance of this variant is uncertain due to the absence of conclusive functional and genetic evidence.

Labcorp Genetics (formerly Invitae), Labcorp
Classification: Likely benign for Familial hemophagocytic lymphohistiocytosis 5. Last evaluated: 2026-02-04. Review status: criteria provided, single submitter. Criteria: Invitae Variant Classification Sherloc (09022015). Collection method: clinical testing. Allele origin: germline.

GeneDx
Classification: Uncertain significance. Last evaluated: 2026-01-12. Review status: criteria provided, single submitter. Criteria: GeneDx Variant Classification Process June 2021. Collection method: clinical testing. Allele origin: germline. Affected: yes.
Comment: Reported as an apparently homozygous variant in an individual with hemophilia A, but no additional phenotypic information was provided on this individual beyond the bleeding phenotype (PMID: 34050687); Identified in the heterozygous state in patients in the published literature with suspected familial hemophagocytic lymphohistiocytosis or a suspected bleeding disorder, but no variant was identified on the other allele (PMID: 24916509, 32935436, 36706356); In silico analysis supports that this missense variant has a deleterious effect on protein structure/function; This variant is associated with the following publications: (PMID: 32256442, 36706356, 32935436, 24916509, 34050687, 36588876)

Mayo Clinic Laboratories, Mayo Clinic
Classification: Uncertain significance. Last evaluated: 2025-05-07. Review status: criteria provided, single submitter. Criteria: ACMG Guidelines, 2015. Collection method: clinical testing. Allele origin: germline. Observed: 5 variant alleles.
Comment: BS1

Center for Genomic Medicine, Rigshospitalet, Copenhagen University Hospital
Classification: Uncertain significance. Last evaluated: 2025-03-04. Review status: criteria provided, single submitter. Criteria: ACMG Guidelines, 2015. Collection method: clinical testing. Allele origin: germline.

Women's Health and Genetics/Laboratory Corporation of America, LabCorp
Classification: Likely benign. Last evaluated: 2025-02-17. Review status: criteria provided, single submitter. Criteria: LabCorp Variant Classification Summary - May 2015. Collection method: clinical testing. Allele origin: germline.
Comment: Variant summary: STXBP2 c.1586G>C (p.Arg529Pro) results in a non-conservative amino acid change in the encoded protein sequence. Five of five in-silico tools predict a damaging effect of the variant on protein function. The variant allele was found at a frequency of 0.0023 in 1606572 control chromosomes, predominantly at a frequency of 0.0029 within the Non-Finnish European subpopulation in the gnomAD database (v4.1 dataset), including 5 homozygotes. The observed variant frequency within Non-Finnish European control individuals in the gnomAD database is approximately 1.3-fold of the estimated maximal expected allele frequency for a pathogenic variant in STXBP2 causing Familial Hemophagocytic Lymphohistiocytosis phenotype (0.0022). The variant, c.1586G>C, has been reported in the literature in heterozygous state in individuals with clinically suspected Familial Hemophagocytic Lymphohistiocytosis (e.g. Zhang_2014, Noori_2023), and in homozygous state in an individual affected with haemophilia A (Carrel_2021). In addition, a publication reported experimental evidence evaluating an impact on protein function, and demonstrated normal (WT) activity for the variant protien (Noori_2023). The following publications have been ascertained in the context of this evaluation (PMID: 24916509, 34050687, 36706356). ClinVar contains an entry for this variant (Variation ID: 330559). Based on the evidence outlined above, the variant was classified as likely benign.

Blueprint Genetics
Classification: Uncertain significance. Last evaluated: 2024-11-14. Review status: criteria provided, single submitter. Criteria: ACMG Guidelines, 2015. Collection method: clinical testing. Allele origin: germline.

Population Bio, Inc.
Classification: association. Last evaluated: 2022-08-30. Review status: criteria provided, single submitter. Criteria: Hatchwell et al (Front Neurol. 2022). Collection method: case-control. Allele origin: germline.
Comment: STXBP2 variant c.1586G>C (rs35490401) is associated with Progressive multifocal leukoencephalopathy (PML, ORPHA:217260).

Genetic Services Laboratory, University of Chicago
Classification: Uncertain significance. Last evaluated: 2019-08-15. Review status: criteria provided, single submitter. Criteria: ACMG Guidelines, 2015. Collection method: clinical testing. Allele origin: germline. Affected: no.

Genome Diagnostics Laboratory, The Hospital for Sick Children
Classification: Uncertain significance for Autoinflammatory syndrome. Last evaluated: 2017-03-09. Review status: criteria provided, single submitter. Criteria: ACMG Guidelines, 2015. Collection method: clinical testing. Allele origin: germline. Affected: yes.

Birmingham Platelet Group; University of Birmingham
Classification: Uncertain significance for Thrombocytopenia; Abnormal bleeding. Last evaluated: 2020-05-01. Review status: no assertion criteria provided. Collection method: research. Allele origin: germline. Affected: yes. Not counted in ClinVar's aggregate classification.

Literature cited by the submitters: PubMed 24916509 (cited by 3 submitters); PubMed 32256442 (cited by Mayo Clinic Laboratories, Mayo Clinic and Population Bio, Inc.); PubMed 32935436 (cited by Mayo Clinic Laboratories, Mayo Clinic); PubMed 34050687 (cited by Mayo Clinic Laboratories, Mayo Clinic and Women's Health and Genetics/Laboratory Corporation of America, LabCorp); PubMed 36588876 (cited by Mayo Clinic Laboratories, Mayo Clinic); PubMed 36706356 (cited by Mayo Clinic Laboratories, Mayo Clinic and Women's Health and Genetics/Laboratory Corporation of America, LabCorp).